The following is an entry in ClinVar:

NM_000268.4(NF2):c.16_17delinsTT (p.Ala6Phe)

Gene: NF2 (NF2, moesin-ezrin-radixin like (MERLIN) tumor suppressor; plus strand). Cytogenetic location: 22q12.2.
Variant type: Indel.
Coding change: c.16_17delinsTT on transcript NM_000268.4 (MANE Select); coding-DNA positions 16 to 17, GC replaced by TT.
Protein change: p.Ala6Phe; replaces alanine 6 with phenylalanine.
Molecular consequence: missense variant. On other transcripts: 5 prime UTR variant (4), non-coding transcript variant (1).
Genome position (GRCh38, 1-based): chr22:29,604,014-29,604,015, GC replaced by TT. VCF-style: chr22-29604014-GC-TT. GRCh37 (hg19) VCF-style: chr22-30000003-GC-TT.
Other names: c.16_17delinsTT, p.Ala6Phe (NM_001407054.1, NM_001407055.1, NM_001407057.1 and 15 more transcripts); c.-215_-214delinsTT (NM_001407056.1, NM_001407053.1); c.-625_-624delinsTT (NM_001407065.1); c.-241_-240delinsTT (NM_001407067.1); short protein forms A6F.
Identifiers: ClinVar variation 2692679 (VCV002692679.3), dbSNP rs2518225963, ClinGen allele CA2697552668.
Genomic context (GRCh38, chr22:29,604,014, plus strand): 5'-GTGCAGGCCGTGGGGCGCGAGGGTCCCGGGCCTGAGCCCCGCGCCATGGCCGGGGCCATC[GC>TT]TTCCCGCATGAGCTTCAGCTCTCTCAAGAGGAAGCAACCCAAGACGTTCACCGTGAGGAT-3'
Protein context (NP_000259.1, residues 1-16): MAGAI[Ala6Phe]SRMSFSSLKR

ClinVar aggregate classification (germline): Uncertain significance (1 of 4 stars; one submission).

Conditions:
Neurofibromatosis, type 2 (SWNV). Also called: BILATERAL ACOUSTIC NEUROFIBROMATOSIS; SCHWANNOMATOSIS, VESTIBULAR; NF2-Related Schwannomatosis. Identifiers: Orphanet 637, MedGen C0027832, MONDO:0007039, OMIM 101000. Disease mechanism: loss of function.

Submission:

Labcorp Genetics (formerly Invitae), Labcorp
Classification: Uncertain significance for Neurofibromatosis, type 2. Last evaluated: 2023-11-03. Review status: criteria provided, single submitter. Criteria: Invitae Variant Classification Sherloc (09022015). Collection method: clinical testing. Allele origin: germline.
Comment: This variant, c.16_17delinsTT, is a complex sequence change that results in the deletion of 1 and insertion of 1 amino acid(s) in the NF2 protein (p.Ala6Phe). Information on the frequency of this variant in the gnomAD database is not available, as this variant may be reported differently in the database. This variant has not been reported in the literature in individuals affected with NF2-related conditions. An algorithm developed to predict the effect of missense changes on protein structure and function (PolyPhen-2) suggests that this variant is likely to be tolerated. In summary, the available evidence is currently insufficient to determine the role of this variant in disease. Therefore, it has been classified as a Variant of Uncertain Significance.